The following is an entry in ClinVar:

ClinVar aggregate classification (germline): Pathogenic (1 of 4 stars; one submission).

Conditions:
Familial cancer of breast. Also called: hereditary breast carcinoma; BREAST CANCER, FAMILIAL; Hereditary breast cancer. Identifiers: Orphanet 227535, MedGen C0346153, MONDO:0016419, OMIM 114480. Disease mechanism: loss of function.

Submission:

Labcorp Genetics (formerly Invitae), Labcorp
Classification: Pathogenic for Familial cancer of breast. Last evaluated: 2022-09-05. Review status: criteria provided, single submitter. Criteria: Invitae Variant Classification Sherloc (09022015). Collection method: clinical testing. Allele origin: germline.
Comment: For these reasons, this variant has been classified as Pathogenic. This variant has not been reported in the literature in individuals affected with BARD1-related conditions. This variant is not present in population databases (gnomAD no frequency). This sequence change creates a premature translational stop signal (p.His606Leufs*13) in the BARD1 gene. It is expected to result in an absent or disrupted protein product. Loss-of-function variants in BARD1 are known to be pathogenic (PMID: 20077502, 21344236).

Literature cited by the submitters: PubMed 20077502; PubMed 21344236.

NM_000465.4(BARD1):c.1817del (p.His606fs)

Gene: BARD1 (BRCA1 associated RING domain 1; minus strand). Cytogenetic location: 2q35.
Variant type: Deletion.
Coding change: c.1817del on transcript NM_000465.4 (MANE Select); coding-DNA position 1817, one base deleted (A; older notation c.1817delA).
Protein change: p.His606fs; shifts the reading frame from histidine 606.
Molecular consequence: frameshift variant. On other transcripts: non-coding transcript variant (3), intron variant (1).
Genome position (GRCh38, 1-based): chr2:214,745,153, T deleted on the plus strand (A on the coding strand, the reverse complement: BARD1 is on the minus strand). VCF-style (leftmost placement, unchanged base first): chr2-214745152-AT-A. GRCh37 (hg19) VCF-style: chr2-215609876-AT-A.
Other names: c.1760del, p.His587fs (NM_001282543.2); c.464del, p.His155fs (NM_001282545.2); c.407del, p.His136fs (NM_001282548.2); c.365-14645del (NM_001282549.2); short protein forms H606fs, H136fs, H155fs, H587fs.
Identifiers: ClinVar variation 2029061 (VCV002029061.4), dbSNP rs2469338564, ClinGen allele CA2580065602.